The following is an entry in ClinVar:

NM_020937.4(FANCM):c.4285del (p.Arg1429fs)

Gene: FANCM (FA complementation group M; plus strand). Cytogenetic location: 14q21.2.
Variant type: Deletion.
Coding change: c.4285del on transcript NM_020937.4 (MANE Select); coding-DNA position 4285, one base deleted (A; older notation c.4285delA).
Protein change: p.Arg1429fs; shifts the reading frame from arginine 1429.
Molecular consequence: frameshift variant.
Genome position (GRCh38, 1-based): chr14:45,181,492, A deleted; the last of 4 consecutive A bases (chr14:45,181,489-45,181,492); deleting any one gives the same sequence. VCF-style (leftmost placement, unchanged base first): chr14-45181488-TA-T. GRCh37 (hg19) VCF-style: chr14-45650691-TA-T.
Other names: c.4207del, p.Arg1403fs (NM_001308133.2); short protein forms R1403fs, R1429fs.
Identifiers: ClinVar variation 1068906 (VCV001068906.9), dbSNP rs1227066484, ClinGen allele CA706105972.
Genomic context (GRCh38, chr14:45,181,488, plus strand): 5'-AGATGGACAATTATTAACAAGTAACGAAAGTGAAGATGACGAGATTTTCCGAAGAAAAGT[TA>T]AAAGAGCAAAAGGAAATGTTTTAAACTCTCCTGAGGTGAGTCATTCAGTAATCACAATAG-3'

ClinVar aggregate classification (germline): Pathogenic (1 of 4 stars; one submission).

Conditions:
Fanconi anemia (FA). Also called: Fanconi's anemia. Identifiers: Orphanet 84, MedGen C0015625, MeSH D005199, MONDO:0019391.

Submission:

Labcorp Genetics (formerly Invitae), Labcorp
Classification: Pathogenic for Fanconi anemia. Last evaluated: 2022-03-04. Review status: criteria provided, single submitter. Criteria: Invitae Variant Classification Sherloc (09022015). Collection method: clinical testing. Allele origin: germline.
Comment: For these reasons, this variant has been classified as Pathogenic. ClinVar contains an entry for this variant (Variation ID: 1068906). This premature translational stop signal has been observed in individual(s) with seminoma (PMID: 30676620). This variant is not present in population databases (gnomAD no frequency). This sequence change creates a premature translational stop signal (p.Arg1429Glufs*7) in the FANCM gene. It is expected to result in an absent or disrupted protein product. Loss-of-function variants in FANCM are known to be pathogenic (PMID: 29895858, 30075111).

Literature cited by the submitters: PubMed 30676620; PubMed 29895858; PubMed 30075111.